The following is an entry in ClinVar:

NM_001080779.2(MYO1C):c.1482+9T>G

Gene: MYO1C (myosin IC; minus strand). Cytogenetic location: 17p13.3.
Variant type: single nucleotide variant.
Coding change: c.1482+9T>G on transcript NM_001080779.2 (MANE Select); 9 bases into the intron after coding-DNA position 1482, T replaced by G.
Molecular consequence: intron variant.
Genome position (GRCh38, 1-based): chr17:1,477,882, A>C on the plus strand (T>G on the coding strand, the complement: MYO1C is on the minus strand). VCF-style: chr17-1477882-A-C. GRCh37 (hg19) VCF-style: chr17-1381176-A-C.
Other names: c.1377+9T>G (NM_033375.5); c.1425+9T>G (NM_001080950.2); c.1410+9T>G (NM_001363855.1).
Identifiers: ClinVar variation 508159 (VCV000508159.2), dbSNP rs2286877, ClinGen allele CA8267514.
Genomic context (GRCh38, chr17:1,477,882, plus strand): 5'-AGAACGGAGAAGGGGGACATCCTCCCACCCAGCCTCCAGCACCAGGCCTTGGAGGCGCAG[A>C]GGACTCACCAAAATCGAGATGATGCCCTTAAACTTCTCCTCCACCAGATCACAGATGATT-3'

ClinVar aggregate classification (germline): Benign. Review status: criteria provided, multiple submitters, no conflicts (2 of 4 stars). 2 submissions from 2 submitters: Benign (2). Last evaluated 2017-08-22.

Allele frequency attached by ClinVar (database versions not stated): ESP Exome Variant Server 0.01668; gnomAD exomes 0.02790 and 0.05632; gnomAD 0.03210 and 0.03450; TOPMed 0.03596; ExAC 0.04987; 1000 Genomes Project 30x 0.05824; 1000 Genomes Project 0.06150.
gnomAD v4.1: 46,456 of 1,612,396 alleles (2.9%); highest among the groups gnomAD compares: Admixed American, 15%; 1,716 homozygotes.

Submissions (2):

GeneDx
Classification: Benign. Last evaluated: 2017-08-22. Review status: criteria provided, single submitter. Criteria: GeneDx Variant Classification (06012015). Collection method: clinical testing. Allele origin: germline. Affected: yes.
Comment: This variant is considered likely benign or benign based on one or more of the following criteria: it is a conservative change, it occurs at a poorly conserved position in the protein, it is predicted to be benign by multiple in silico algorithms, and/or has population frequency not consistent with disease.

Breakthrough Genomics
Classification: Benign. Review status: criteria provided, single submitter. Criteria: ACMG Guidelines, 2015. Collection method: not provided. Allele origin: germline. Inheritance: Unknown mechanism. Affected: yes.